The following is an entry in ClinVar:

ClinVar aggregate classification (germline): Uncertain significance. Review status: criteria provided, multiple submitters, no conflicts (2 of 4 stars). 2 submissions from 2 submitters: Uncertain significance (2). Last evaluated 2024-04-18.

Allele frequency attached by ClinVar (database versions not stated): gnomAD 0.00001; ExAC 0.00002; ESP Exome Variant Server 0.00008.

Submissions (2):

Blueprint Genetics
Classification: Uncertain significance. Last evaluated: 2024-04-18. Review status: criteria provided, single submitter. Criteria: ACMG Guidelines, 2015. Collection method: clinical testing. Allele origin: germline.

Labcorp Genetics (formerly Invitae), Labcorp
Classification: Uncertain significance. Last evaluated: 2022-09-14. Review status: criteria provided, single submitter. Criteria: Invitae Variant Classification Sherloc (09022015). Collection method: clinical testing. Allele origin: germline.
Comment: In summary, the available evidence is currently insufficient to determine the role of this variant in disease. Therefore, it has been classified as a Variant of Uncertain Significance. Advanced modeling of protein sequence and biophysical properties (such as structural, functional, and spatial information, amino acid conservation, physicochemical variation, residue mobility, and thermodynamic stability) performed at Invitae indicates that this missense variant is not expected to disrupt FAM46A protein function. This variant has not been reported in the literature in individuals affected with FAM46A-related conditions. This variant is present in population databases (rs151144055, gnomAD 0.002%). This sequence change replaces glutamine, which is neutral and polar, with lysine, which is basic and polar, at codon 72 of the FAM46A protein (p.Gln72Lys).

NM_017633.3(TENT5A):c.214C>A (p.Gln72Lys)

Gene: TENT5A (terminal nucleotidyltransferase 5A; minus strand). Cytogenetic location: 6q14.1.
Variant type: single nucleotide variant.
Coding change: c.214C>A on transcript NM_017633.3 (MANE Select); coding-DNA position 214, C replaced by A.
Protein change: p.Gln72Lys; replaces glutamine 72 with lysine.
Molecular consequence: missense variant.
Genome position (GRCh38, 1-based): chr6:81,751,928, G>T on the plus strand (C>A on the coding strand, the complement: TENT5A is on the minus strand). VCF-style: chr6-81751928-G-T. GRCh37 (hg19) VCF-style: chr6-82461645-G-T.
Other names: short protein forms Q72K.
Identifiers: ClinVar variation 1901845 (VCV001901845.4), dbSNP rs151144055, ClinGen allele CA3903045.